The following is an entry in ClinVar:

NM_002878.4(RAD51D):c.487G>T (p.Ala163Ser)

Genes: RAD51D (RAD51 paralog D; minus strand), RAD51L3-RFFL (RAD51L3-RFFL readthrough; minus strand). Cytogenetic location: 17q12.
Variant type: single nucleotide variant.
Coding change: c.487G>T on transcript NM_002878.4 (MANE Select); coding-DNA position 487, G replaced by T.
Protein change: p.Ala163Ser; replaces alanine 163 with serine.
Molecular consequence: missense variant. On other transcripts: non-coding transcript variant (3).
Genome position (GRCh38, 1-based): chr17:35,106,475, C>A on the plus strand (G>T on the coding strand, the complement: RAD51D is on the minus strand). VCF-style: chr17-35106475-C-A. GRCh37 (hg19) VCF-style: chr17-33433494-C-A.
Other names: c.547G>T, p.Ala183Ser (NM_001142571.2); c.151G>T, p.Ala51Ser (NM_133629.3); short protein forms A163S, A183S, A51S.
Identifiers: ClinVar variation 3312407 (VCV003312407.1).

ClinVar aggregate classification (germline): Uncertain significance (1 of 4 stars; one submission).

Conditions:
Hereditary cancer-predisposing syndrome. Also called: Neoplastic Syndromes, Hereditary; Tumor predisposition; Hereditary neoplastic syndrome; Hereditary Cancer Syndrome. Identifiers: Orphanet 140162, MedGen C0027672, MeSH D009386, MONDO:0015356.

Submission:

Ambry Genetics
Classification: Uncertain significance for Hereditary cancer-predisposing syndrome. Last evaluated: 2024-05-06. Review status: criteria provided, single submitter. Criteria: Ambry Variant Classification Scheme 2023. Collection method: clinical testing. Allele origin: germline.
Comment: The p.A163S variant (also known as c.487G>T), located in coding exon 6 of the RAD51D gene, results from a G to T substitution at nucleotide position 487. The alanine at codon 163 is replaced by serine, an amino acid with similar properties. This amino acid position is conserved. In addition, the in silico prediction for this alteration is inconclusive. Based on the available evidence, the clinical significance of this variant remains unclear.